The following is an entry in ClinVar:

ClinVar aggregate classification (germline): Uncertain significance (1 of 4 stars; one submission).

Submission:

GeneDx
Classification: Uncertain significance. Last evaluated: 2023-05-30. Review status: criteria provided, single submitter. Criteria: GeneDx Variant Classification Process June 2021. Collection method: clinical testing. Allele origin: germline. Affected: yes.
Comment: Not observed at significant frequency in large population cohorts (gnomAD); In silico analysis supports that this missense variant does not alter protein structure/function; Has not been previously published as pathogenic or benign to our knowledge

NM_006996.3(SLC19A2):c.812C>A (p.Pro271His)

Gene: SLC19A2 (solute carrier family 19 member 2; minus strand). Cytogenetic location: 1q24.2.
Variant type: single nucleotide variant.
Coding change: c.812C>A on transcript NM_006996.3 (MANE Select); coding-DNA position 812, C replaced by A.
Protein change: p.Pro271His; replaces proline 271 with histidine.
Molecular consequence: missense variant.
Genome position (GRCh38, 1-based): chr1:169,470,182, G>T on the plus strand (C>A on the coding strand, the complement: SLC19A2 is on the minus strand). VCF-style: chr1-169470182-G-T. GRCh37 (hg19) VCF-style: chr1-169439420-G-T.
Other names: c.209C>A, p.Pro70His (NM_001319667.1); short protein forms P271H, P70H.
Identifiers: ClinVar variation 3362124 (VCV003362124.1).